The following is an entry in ClinVar:

NM_004999.4(MYO6):c.1770+3G>A

Gene: MYO6 (myosin VI; plus strand). Cytogenetic location: 6q14.1.
Variant type: single nucleotide variant.
Coding change: c.1770+3G>A on transcript NM_004999.4 (MANE Select); 3 bases into the intron after coding-DNA position 1770, G replaced by A.
Molecular consequence: intron variant.
Genome position (GRCh38, 1-based): chr6:75,866,624, G>A. VCF-style: chr6-75866624-G-A. GRCh37 (hg19) VCF-style: chr6-76576341-G-A.
Other names: c.1770+3G>A (NM_001368865.1, NM_001368866.1, NM_001368137.1 and 2 more transcripts); c.1755+3G>A (NM_001368138.1).
Identifiers: ClinVar variation 2890836 (VCV002890836.3), dbSNP rs2535371216, ClinGen allele CA2679450694.

ClinVar aggregate classification (germline): Uncertain significance (1 of 4 stars; one submission).

Allele frequency attached by ClinVar (database versions not stated): gnomAD exomes below 0.00001.
gnomAD v4.1: 6 of 1,610,638 alleles (0.00037%); highest among the groups gnomAD compares: Middle Eastern, 0.017%; 1 homozygote.

Submission:

Labcorp Genetics (formerly Invitae), Labcorp
Classification: Uncertain significance. Last evaluated: 2023-10-23. Review status: criteria provided, single submitter. Criteria: Invitae Variant Classification Sherloc (09022015). Collection method: clinical testing. Allele origin: germline.
Comment: This sequence change falls in intron 17 of the MYO6 gene. It does not directly change the encoded amino acid sequence of the MYO6 protein. It affects a nucleotide within the consensus splice site. This variant is not present in population databases (gnomAD no frequency). This variant has not been reported in the literature in individuals affected with MYO6-related conditions. Variants that disrupt the consensus splice site are a relatively common cause of aberrant splicing (PMID: 17576681, 9536098). Algorithms developed to predict the effect of sequence changes on RNA splicing suggest that this variant is not likely to affect RNA splicing. In summary, the available evidence is currently insufficient to determine the role of this variant in disease. Therefore, it has been classified as a Variant of Uncertain Significance.

Literature cited by the submitters: PubMed 17576681; PubMed 9536098.